The following is an entry in ClinVar:

NM_001114753.3(ENG):c.-117C>T

Gene: ENG (endoglin; minus strand). Cytogenetic location: 9q34.11.
Variant type: single nucleotide variant.
Coding change: c.-117C>T on transcript NM_001114753.3 (MANE Select); 117 bases upstream of the start codon, C replaced by T.
Molecular consequence: 5 prime UTR variant.
Genome position (GRCh38, 1-based): chr9:127,854,472, G>A on the plus strand (C>T on the coding strand, the complement: ENG is on the minus strand). VCF-style: chr9-127854472-G-A. GRCh37 (hg19) VCF-style: chr9-130616751-G-A.
Other names: c.-117C>T (NM_000118.4, NM_001406715.1).
Identifiers: ClinVar variation 1970257 (VCV001970257.5), dbSNP rs2539126888, ClinGen allele CA2580079596.

ClinVar aggregate classification (germline): Uncertain significance (1 of 4 stars; one submission).

Conditions:
Hereditary hemorrhagic telangiectasia (HHT). Also called: ORW DISEASE; Osler Weber Rendu syndrome; OSLER-RENDU-WEBER DISEASE; Osler hemorrhagic telangiectasia syndrome. Identifiers: Orphanet 774, MedGen C0039445, MONDO:0019180. Disease mechanism: loss of function.

Submission:

Labcorp Genetics (formerly Invitae), Labcorp
Classification: Uncertain significance for Hereditary hemorrhagic telangiectasia. Last evaluated: 2022-10-02. Review status: criteria provided, single submitter. Criteria: Invitae Variant Classification Sherloc (09022015). Collection method: clinical testing. Allele origin: germline.
Comment: In summary, the available evidence is currently insufficient to determine the role of this variant in disease. Therefore, it has been classified as a Variant of Uncertain Significance. Experimental studies and prediction algorithms are not available or were not evaluated, and the functional significance of this variant is currently unknown. This variant has not been reported in the literature in individuals affected with ENG-related conditions. This variant is not present in population databases (gnomAD no frequency). This variant occurs in a non-coding region of the ENG gene. It does not change the encoded amino acid sequence of the ENG protein.